The following is an entry in ClinVar:

NM_005726.6(TSFM):c.518del (p.Pro173fs)

Gene: TSFM (Ts translation elongation factor, mitochondrial; plus strand). Cytogenetic location: 12q14.1.
Variant type: Deletion.
Coding change: c.518del on transcript NM_005726.6 (MANE Select); coding-DNA position 518, one base deleted (C; older notation c.518delC).
Protein change: p.Pro173fs; shifts the reading frame from proline 173.
Molecular consequence: frameshift variant. On other transcripts: intron variant (1).
Genome position (GRCh38, 1-based): chr12:57,793,020, C deleted; the last of 2 consecutive C bases (chr12:57,793,019-57,793,020); deleting either gives the same sequence. VCF-style (leftmost placement, unchanged base first): chr12-57793018-TC-T. GRCh37 (hg19) VCF-style: chr12-58186801-TC-T.
Other names: c.581del, p.Pro194fs (NM_001172696.2); c.518del, p.Pro173fs (NM_001172697.2); c.484-3157del (NM_001172695.2); short protein forms P173fs, P194fs.
Identifiers: ClinVar variation 1451378 (VCV001451378.9), dbSNP rs2140424315, ClinGen allele CA2573148917.

ClinVar aggregate classification (germline): Pathogenic (1 of 4 stars; one submission).

Submission:

Labcorp Genetics (formerly Invitae), Labcorp
Classification: Pathogenic. Last evaluated: 2024-02-10. Review status: criteria provided, single submitter. Criteria: Invitae Variant Classification Sherloc (09022015). Collection method: clinical testing. Allele origin: germline.
Comment: This sequence change creates a premature translational stop signal (p.Pro194Glnfs*16) in the TSFM gene. While this is not anticipated to result in nonsense mediated decay, it is expected to disrupt the last 153 amino acid(s) of the TSFM protein. This variant is not present in population databases (gnomAD no frequency). This variant has not been reported in the literature in individuals affected with TSFM-related conditions. ClinVar contains an entry for this variant (Variation ID: 1451378). This variant disrupts a region of the TSFM protein in which other variant(s) (p.Arg333Trp) have been determined to be pathogenic (PMID: 17033963, 20435138, 21741925, 22277967). This suggests that this is a clinically significant region of the protein, and that variants that disrupt it are likely to be disease-causing. For these reasons, this variant has been classified as Pathogenic.

Literature cited by the submitters: PubMed 17033963; PubMed 20435138; PubMed 21741925; PubMed 22277967.